The following is an entry in ClinVar:

ClinVar aggregate classification (germline): Uncertain significance (1 of 4 stars; one submission).

Conditions:
Dilated cardiomyopathy 1G (CMD1G). Identifiers: Orphanet 154, MedGen C1858763, MONDO:0011400, OMIM 604145.
Autosomal recessive limb-girdle muscular dystrophy type 2J (LGMDR10). Also called: Limb-girdle muscular dystrophy, type 2J; MUSCULAR DYSTROPHY, LIMB-GIRDLE, AUTOSOMAL RECESSIVE 10. Identifiers: Orphanet 140922, MedGen C1837342, MONDO:0012127, OMIM 608807.

Submission:

Labcorp Genetics (formerly Invitae), Labcorp
Classification: Uncertain significance for Dilated cardiomyopathy 1G; Autosomal recessive limb-girdle muscular dystrophy type 2J. Last evaluated: 2025-05-16. Review status: criteria provided, single submitter. Criteria: Invitae Variant Classification Sherloc (09022015). Collection method: clinical testing. Allele origin: germline.
Comment: This sequence change replaces lysine with asparagine at codon 34547 of the TTN protein (p.Lys34547Asn). There is a moderate physicochemical difference between lysine and asparagine. This variant is not present in population databases (gnomAD no frequency). This variant has not been reported in the literature in individuals affected with TTN-related conditions. ClinVar contains an entry for this variant (Variation ID: 1524496). Experimental studies and prediction algorithms are not available or were not evaluated, and the functional significance of this variant is currently unknown. This variant is located in the M band of TTN (PMID: 25589632). Non-truncating variants in this region may be relevant for neuromuscular disorders, but have not been definitively shown to cause cardiomyopathy (PMID: 23975875). In summary, the available evidence is currently insufficient to determine the role of this variant in disease. Therefore, it has been classified as a Variant of Uncertain Significance.

Literature cited by the submitters: PubMed 25589632; PubMed 23975875.

NM_001267550.2(TTN):c.103641G>T (p.Lys34547Asn)

Genes: TTN (titin; minus strand), TTN-AS1 (TTN antisense RNA 1; plus strand). Cytogenetic location: 2q31.2.
Variant type: single nucleotide variant.
Coding change: c.103641G>T on transcript NM_001267550.2 (MANE Select); coding-DNA position 103641, G replaced by T.
Protein change: p.Lys34547Asn; replaces lysine 34547 with asparagine.
Molecular consequence: missense variant.
Genome position (GRCh38, 1-based): chr2:178,532,974, C>A on the plus strand (G>T on the coding strand, the complement: TTN is on the minus strand). VCF-style: chr2-178532974-C-A. GRCh37 (hg19) VCF-style: chr2-179397701-C-A.
Other names: c.98718G>T, p.Lys32906Asn (NM_001256850.1); c.76446G>T, p.Lys25482Asn (NM_003319.4); c.95937G>T, p.Lys31979Asn (NM_133378.4); c.76821G>T, p.Lys25607Asn (NM_133432.3); c.77022G>T, p.Lys25674Asn (NM_133437.4); short protein forms K25482N, K34547N, K25674N, K31979N, K32906N, K25607N.
Identifiers: ClinVar variation 1524496 (VCV001524496.6), dbSNP rs2154134776, ClinGen allele CA349413834.